The following is an entry in ClinVar:

NM_001164508.2(NEB):c.24802G>A (p.Gly8268Ser)

Genes: NEB (nebulin; minus strand), RIF1 (replication timing regulatory factor 1; plus strand). Cytogenetic location: 2q23.3.
Variant type: single nucleotide variant.
Coding change: c.24802G>A on transcript NM_001164508.2 (MANE Select); coding-DNA position 24802, G replaced by A.
Protein change: p.Gly8268Ser; replaces glycine 8268 with serine.
Molecular consequence: missense variant.
Genome position (GRCh38, 1-based): chr2:151,492,458, C>T on the plus strand (G>A on the coding strand, the complement: NEB is on the minus strand). VCF-style: chr2-151492458-C-T. GRCh37 (hg19) VCF-style: chr2-152348972-C-T.
Other names: c.24802G>A, p.Gly8268Ser (NM_001164507.2); c.24907G>A, p.Gly8303Ser (NM_001271208.2); c.19234G>A, p.Gly6412Ser (NM_004543.5); short protein forms G8303S, G8268S, G6412S.
Identifiers: ClinVar variation 1981643 (VCV001981643.1), dbSNP rs2551710442, ClinGen allele CA348774325.
Genomic context (GRCh38, chr2:151,492,458, plus strand): 5'-GCCGTTGGGTCTCCCTCACCCGTCTCATCTCGGGGGTATCCAATACATAGGCAGCTTTGC[C>T]TTGTATTTGTTTCCGGAAACTATCAGAATAAAGAACCTGATGCAGGAGAGACCGTGAATG-3'
Protein context (NP_001157980.2, residues 8258-8278): YSDSFRKQIQ[Gly8268Ser]KAAYVLDTPE

ClinVar aggregate classification (germline): Uncertain significance (1 of 4 stars; one submission).

Conditions:
Nemaline myopathy 2 (NEM2). Also called: Nemaline myopathy 2, autosomal recessive. Identifiers: MedGen C1850569, MONDO:0009725, OMIM 256030.

Allele frequency attached by ClinVar (database versions not stated): gnomAD exomes below 0.00001.
gnomAD v4.1: 3 of 1,613,410 alleles (0.00019%); highest among the groups gnomAD compares: African/African-American, 0.0013%; no homozygotes.

Submission:

Labcorp Genetics (formerly Invitae), Labcorp
Classification: Uncertain significance for Nemaline myopathy 2. Last evaluated: 2022-05-12. Review status: criteria provided, single submitter. Criteria: Invitae Variant Classification Sherloc (09022015). Collection method: clinical testing. Allele origin: germline.
Comment: This sequence change replaces glycine, which is neutral and non-polar, with serine, which is neutral and polar, at codon 8303 of the NEB protein (p.Gly8303Ser). This variant is not present in population databases (gnomAD no frequency). This variant has not been reported in the literature in individuals affected with NEB-related conditions. Algorithms developed to predict the effect of missense changes on protein structure and function are either unavailable or do not agree on the potential impact of this missense change (SIFT: "Deleterious"; PolyPhen-2: "Not Available"; Align-GVGD: "Class C0"). In summary, the available evidence is currently insufficient to determine the role of this variant in disease. Therefore, it has been classified as a Variant of Uncertain Significance.